The following is an entry in ClinVar:

ClinVar aggregate classification (germline): Benign/Likely benign. Review status: criteria provided, multiple submitters, no conflicts (2 of 4 stars). 4 submissions from 4 submitters: Benign (1); Likely benign (3). Last evaluated 2025-11-22.

Conditions:
Hereditary cancer-predisposing syndrome. Also called: Hereditary neoplastic syndrome; Neoplastic Syndromes, Hereditary; Tumor predisposition; Hereditary Cancer Syndrome. Identifiers: Orphanet 140162, MedGen C0027672, MeSH D009386, MONDO:0015356.
Familial cancer of breast. Also called: BREAST CANCER, FAMILIAL; Hereditary breast cancer; hereditary breast carcinoma. Identifiers: Orphanet 227535, MedGen C0346153, MONDO:0016419, OMIM 114480. Disease mechanism: loss of function.

Allele frequency attached by ClinVar (database versions not stated): gnomAD exomes below 0.00001 and 0.00001; TOPMed 0.00001; ExAC 0.00002.
gnomAD v4.1: 3 of 1,613,906 alleles (0.00019%); highest among the groups gnomAD compares: African/African-American, 0.0027%; no homozygotes.

Submissions (4):

Labcorp Genetics (formerly Invitae), Labcorp
Classification: Likely benign for Familial cancer of breast. Last evaluated: 2025-11-22. Review status: criteria provided, single submitter. Criteria: Invitae Variant Classification Sherloc (09022015). Collection method: clinical testing. Allele origin: germline.

Myriad Genetics, Inc.
Classification: Benign for Familial cancer of breast. Last evaluated: 2024-07-25. Review status: criteria provided, single submitter. Criteria: Myriad Autosomal Dominant, Autosomal Recessive and X-Linked Classification Criteria (2023). Collection method: clinical testing. Allele origin: unknown.
Comment: This variant is considered benign. This variant is a silent/synonymous amino acid change and it is not expected to impact splicing.

Ambry Genetics
Classification: Likely benign for Hereditary cancer-predisposing syndrome. Last evaluated: 2019-06-28. Review status: criteria provided, single submitter. Criteria: Ambry Variant Classification Scheme 2023. Collection method: clinical testing. Allele origin: germline.

Color Diagnostics, LLC DBA Color Health
Classification: Likely benign for Hereditary cancer-predisposing syndrome. Last evaluated: 2017-04-06. Review status: criteria provided, single submitter. Criteria: ACMG Guidelines, 2015. Collection method: clinical testing. Allele origin: germline.

NM_000465.4(BARD1):c.1542T>G (p.Leu514=)

Gene: BARD1 (BRCA1 associated RING domain 1; minus strand). Cytogenetic location: 2q35.
Variant type: single nucleotide variant.
Coding change: c.1542T>G on transcript NM_000465.4 (MANE Select); coding-DNA position 1542, T replaced by G.
Protein change: p.Leu514=; no amino-acid change (leucine 514 retained).
Molecular consequence: synonymous variant. On other transcripts: non-coding transcript variant (3), intron variant (3).
Genome position (GRCh38, 1-based): chr2:214,767,508, A>C on the plus strand (T>G on the coding strand, the complement: BARD1 is on the minus strand). VCF-style: chr2-214767508-A-C. GRCh37 (hg19) VCF-style: chr2-215632232-A-C.
Other names: c.1485T>G, p.Leu495= (NM_001282543.2); c.159-14953T>G (NM_001282548.2); c.216-14953T>G (NM_001282545.2); c.364+24789T>G (NM_001282549.2).
Identifiers: ClinVar variation 184384 (VCV000184384.19), dbSNP rs770358347, ClinGen allele CA188805.